The following is an entry in ClinVar:

NM_000059.4(BRCA2):c.8632+12_8632+18delinsATATA

Gene: BRCA2 (BRCA2 DNA repair associated; plus strand). Cytogenetic location: 13q13.1.
Variant type: Indel.
Coding change: c.8632+12_8632+18delinsATATA on transcript NM_000059.4 (MANE Select); bases 12 to 18 of the intron after coding-DNA position 8632, TATATGG replaced by ATATA.
Molecular consequence: intron variant.
Genome position (GRCh38, 1-based): chr13:32,371,112-32,371,118, TATATGG replaced by ATATA. VCF-style: chr13-32371112-TATATGG-ATATA. GRCh37 (hg19) VCF-style: chr13-32945249-TATATGG-ATATA.
Identifiers: ClinVar variation 462487 (VCV000462487.4), dbSNP rs1555287796, ClinGen allele CA658656389.

ClinVar aggregate classification (germline): Conflicting classifications of pathogenicity. Review status: criteria provided, conflicting classifications (1 of 4 stars). 2 submissions from 2 submitters: Uncertain significance (1); Likely benign (1). Last evaluated 2019-07-02.

Conditions:
Hereditary breast ovarian cancer syndrome. Also called: Hereditary breast and ovarian cancer syndrome (HBOC); Hereditary breast and ovarian cancer syndrome; Breast and ovarian cancer; Hereditary breast and/or ovarian cancer syndrome; Hereditary breast and ovarian cancer; BRCA1- and BRCA2-Associated Hereditary Breast and Ovarian Cancer. Identifiers: Orphanet 145, MedGen C0677776, MeSH D061325, MONDO:0003582. Disease mechanism: loss of function.

Submissions (2):

Women's Health and Genetics/Laboratory Corporation of America, LabCorp
Classification: Uncertain significance. Last evaluated: 2019-07-02. Review status: criteria provided, single submitter. Criteria: LabCorp Variant Classification Summary - May 2015. Collection method: clinical testing. Allele origin: germline.
Comment: Variant summary: BRCA2 c.8632+12_8632+18delinsATATA alters nucleotides located close to a canonical splice site and therefore could affect mRNA splicing, leading to a significantly altered protein sequence. 5/5 computational tools predict no significant impact on normal splicing. However, these predictions have yet to be confirmed by functional studies.The variant was absent in 249800 control chromosomes. The available data on variant occurrences in the general population are insufficient to allow any conclusion about variant significance. To our knowledge, no occurrence of c.8632+12_8632+18delinsATATA in individuals affected with Hereditary Breast and Ovarian Cancer and no experimental evidence demonstrating its impact on protein function have been reported. A ClinVar submission (evaluation after 2014) cites the variant as c.8632+12_8632+19delinsATATAT causing the same sequence result as this variant cites the variant as likely benign. Based on the evidence outlined above, the variant was classified as VUS-possibly benign.

Labcorp Genetics (formerly Invitae), Labcorp
Classification: Likely benign for Hereditary breast ovarian cancer syndrome. Last evaluated: 2017-06-18. Review status: criteria provided, single submitter. Criteria: Invitae Variant Classification Sherloc (09022015). Collection method: clinical testing. Allele origin: germline.